The following is an entry in ClinVar:

ClinVar aggregate classification (germline): Likely benign (1 of 4 stars; one submission).

Conditions:
Hereditary breast ovarian cancer syndrome. Also called: Hereditary breast and/or ovarian cancer syndrome; BRCA1- and BRCA2-Associated Hereditary Breast and Ovarian Cancer; Hereditary breast and ovarian cancer syndrome; Hereditary breast and ovarian cancer; Hereditary breast and ovarian cancer syndrome (HBOC); Breast and ovarian cancer. Identifiers: Orphanet 145, MedGen C0677776, MeSH D061325, MONDO:0003582. Disease mechanism: loss of function.

Submissions (2):

Labcorp Genetics (formerly Invitae), Labcorp
Classification: Likely benign for Hereditary breast ovarian cancer syndrome. Last evaluated: 2023-06-15. Review status: criteria provided, single submitter. Criteria: Invitae Variant Classification Sherloc (09022015). Collection method: clinical testing. Allele origin: germline.

Brotman Baty Institute, University of Washington
No classification provided (evidence only). Condition: Breast-ovarian cancer, familial 1. Review status: no classification provided. Collection method: in vitro. Allele origin: not applicable. Functional consequence: functionally_normal. Not counted in ClinVar's aggregate classification.
ClinVar note: "not provided" was previously submitted as the classification for the variant. However, the classification appeared to be based only on an observation of functional data so it was converted to no classification on 2025-07-30.

NM_007294.4(BRCA1):c.5075-10C>A

Gene: BRCA1 (BRCA1 DNA repair associated; minus strand). Cytogenetic location: 17q21.31.
Variant type: single nucleotide variant.
Coding change: c.5075-10C>A on transcript NM_007294.4 (MANE Select); 10 bases into the intron before coding-DNA position 5075, C replaced by A.
Molecular consequence: intron variant.
Genome position (GRCh38, 1-based): chr17:43,063,961, G>T on the plus strand (C>A on the coding strand, the complement: BRCA1 is on the minus strand). VCF-style: chr17-43063961-G-T. GRCh37 (hg19) VCF-style: chr17-41215978-G-T.
Other names: c.1622-10C>A (NM_001408458.1, NM_001408461.1, NM_001408464.1 and 7 more transcripts); c.4184-10C>A (NM_001407967.1); c.4694-10C>A (NM_001407959.1); c.4808-10C>A (NM_001407931.1, NM_001407932.1, NM_001407928.1 and 4 more transcripts); c.4931-10C>A (NM_001407747.1, NM_001407745.1, NM_001407737.1 and 21 more transcripts); c.4691-10C>A (NM_001407962.1, NM_001407960.1); c.1262-10C>A (NM_001408512.1); c.1385-10C>A (NM_001408510.1); and 73 more.
Identifiers: ClinVar variation 864914 (VCV000864914.11), dbSNP rs2051940421, ClinGen allele CA916080140.
Genomic context (GRCh38, chr17:43,063,961, plus strand): 5'-CCGCAATTCCTAGAAAATATTTCAGTGTCCGTTCACACACAAACTCAGCATCTGCAGAAT[G>T]AAAAACACTCAAAGGATTAGAAGTTGAAAACAAAATCAGGAAGTGCTGTCCTAAGAAGCT-3'